The following is an entry in ClinVar:

NM_000186.4(CFH):c.499G>C (p.Glu167Gln)

Gene: CFH (complement factor H; plus strand). Cytogenetic location: 1q31.3.
Variant type: single nucleotide variant.
Coding change: c.499G>C on transcript NM_000186.4 (MANE Select); coding-DNA position 499, G replaced by C.
Protein change: p.Glu167Gln; replaces glutamic acid 167 with glutamine.
Molecular consequence: missense variant.
Genome position (GRCh38, 1-based): chr1:196,677,547, G>C. VCF-style: chr1-196677547-G-C. GRCh37 (hg19) VCF-style: chr1-196646677-G-C.
Other names: c.499G>C, p.Glu167Gln (NM_001014975.3); short protein forms E167Q.
Identifiers: ClinVar variation 4291288 (VCV004291288.2).
Genomic context (GRCh38, chr1:196,677,547, plus strand): 5'-TTACCAGTGACAGCACCAGAGAATGGAAAAATTGTCAGTAGTGCAATGGAACCAGATCGG[G>C]AATACCATTTTGGACAAGCAGTACGGTTTGTATGTAACTCAGGCTACAAGATTGAAGGAG-3'
Protein context (NP_000177.2, residues 157-177): IVSSAMEPDR[Glu167Gln]YHFGQAVRFV

ClinVar aggregate classification (germline): Uncertain significance. Review status: criteria provided, multiple submitters, no conflicts (2 of 4 stars). 2 submissions from 2 submitters: Uncertain significance (2). Last evaluated 2025-10-02.

Conditions:
Age related macular degeneration 4. Identifiers: MedGen C1853147, MONDO:0012540, OMIM 610698.

gnomAD v4.1: 1 of 1,613,218 alleles (0.000062%); highest among the groups gnomAD compares: Non-Finnish European, 0.000085%; no homozygotes.

Submissions (2):

Genomenon, Inc
Classification: Uncertain significance for Age related macular degeneration 4. Last evaluated: 2025-10-02. Review status: criteria provided, single submitter. Criteria: Genomenon Sequence Variant Interpretation Standards - Updated. Collection method: curation. Allele origin: germline. Affected: yes.
Comment: CFH p.Glu167Gln (c.499G>C) is a missense variant that changes the amino acid at residue 167 from Glutamic acid to Glutamine. This variant has been observed in at least one proband affected with age-related macular degeneration (PMID:29686068;26501415). It is absent or not present at a significant frequency in gnomAD. In silico models agree that this variant is not damaging. In conclusion, we classify CFH p.Glu167Gln (c.499G>C) as a variant of uncertain significance.

Labcorp Genetics (formerly Invitae), Labcorp
Classification: Uncertain significance. Last evaluated: 2025-09-26. Review status: criteria provided, single submitter. Criteria: Invitae Variant Classification Sherloc (09022015). Collection method: clinical testing. Allele origin: germline.
Comment: This sequence change replaces glutamic acid, which is acidic and polar, with glutamine, which is neutral and polar, at codon 167 of the CFH protein (p.Glu167Gln). This variant is present in population databases (no rsID available, gnomAD 0.0009%). This missense change has been observed in individual(s) with age-related macular degeneration (PMID: 26501415). An algorithm developed to predict the effect of missense changes on protein structure and function (PolyPhen-2) suggests that this variant is likely to be disruptive. In summary, the available evidence is currently insufficient to determine the role of this variant in disease. Therefore, it has been classified as a Variant of Uncertain Significance.

Literature cited by the submitters: PubMed 29686068 (cited by Genomenon, Inc); PubMed 26501415 (cited by Genomenon, Inc and Labcorp Genetics (formerly Invitae), Labcorp).